The following is an entry in ClinVar:

ClinVar aggregate classification (germline): Uncertain significance. Review status: criteria provided, single submitter (1 of 4 stars). 2 submissions from 2 submitters: Uncertain significance (1). 1 of the submissions does not count toward it. Last evaluated 2025-09-02.

Conditions:
Bardet-Biedl syndrome (BBS). Identifiers: Orphanet 110, MedGen C0752166, MONDO:0015229.
BBS4-related disorder. Also called: BBS4-related condition.

gnomAD v4.1: 1 of 1,614,240 alleles (0.000062%); highest among the groups gnomAD compares: Non-Finnish European, 0.000085%; no homozygotes.

Submissions (2):

Labcorp Genetics (formerly Invitae), Labcorp
Classification: Uncertain significance for Bardet-Biedl syndrome. Last evaluated: 2025-09-02. Review status: criteria provided, single submitter. Criteria: Invitae Variant Classification Sherloc (09022015). Collection method: clinical testing. Allele origin: germline.
Comment: This sequence change replaces tryptophan, which is neutral and slightly polar, with glycine, which is neutral and non-polar, at codon 436 of the BBS4 protein (p.Trp436Gly). This variant is not present in population databases (gnomAD no frequency). This variant has not been reported in the literature in individuals affected with BBS4-related conditions. ClinVar contains an entry for this variant (Variation ID: 1485697). Invitae Evidence Modeling of protein sequence and biophysical properties (such as structural, functional, and spatial information, amino acid conservation, physicochemical variation, residue mobility, and thermodynamic stability) indicates that this missense variant is not expected to disrupt BBS4 protein function with a negative predictive value of 80%. In summary, the available evidence is currently insufficient to determine the role of this variant in disease. Therefore, it has been classified as a Variant of Uncertain Significance.

PreventionGenetics, part of Exact Sciences
Classification: Uncertain significance for BBS4-related condition. Last evaluated: 2024-01-05. Review status: no assertion criteria provided. Collection method: clinical testing. Allele origin: germline. Not counted in ClinVar's aggregate classification.
Comment: The BBS4 c.1306T>G variant is predicted to result in the amino acid substitution p.Trp436Gly. To our knowledge, this variant has not been reported in the literature or in a large population database, indicating this variant is rare. At this time, the clinical significance of this variant is uncertain due to the absence of conclusive functional and genetic evidence.

NM_033028.5(BBS4):c.1306T>G (p.Trp436Gly)

Gene: BBS4 (Bardet-Biedl syndrome 4; plus strand). Cytogenetic location: 15q24.1.
Variant type: single nucleotide variant.
Coding change: c.1306T>G on transcript NM_033028.5 (MANE Select); coding-DNA position 1306, T replaced by G.
Protein change: p.Trp436Gly; replaces tryptophan 436 with glycine.
Molecular consequence: missense variant. On other transcripts: non-coding transcript variant (2).
Genome position (GRCh38, 1-based): chr15:72,736,819, T>G. VCF-style: chr15-72736819-T-G. GRCh37 (hg19) VCF-style: chr15-73029160-T-G.
Other names: c.790T>G, p.Trp264Gly (NM_001252678.2); c.1237T>G, p.Trp413Gly (NM_001320665.2); c.1306T>G (NM_033028.4); short protein forms W264G, W436G, W413G.
Identifiers: ClinVar variation 1485697 (VCV001485697.7), dbSNP rs2151057022, ClinGen allele CA393080580.